The following is an entry in ClinVar:

ClinVar aggregate classification (germline): Uncertain significance (1 of 4 stars; one submission).

Conditions:
DICER1-related tumor predisposition. Also called: DICER1 syndrome; DICER1-related pleuropulmonary blastoma cancer predisposition syndrome. Identifiers: Orphanet 284343, MedGen C3839822, MONDO:0100216.

Submission:

Labcorp Genetics (formerly Invitae), Labcorp
Classification: Uncertain significance for DICER1-related tumor predisposition. Last evaluated: 2019-10-23. Review status: criteria provided, single submitter. Criteria: Invitae Variant Classification Sherloc (09022015). Collection method: clinical testing. Allele origin: germline.
Comment: In summary, the available evidence is currently insufficient to determine the role of this variant in disease. Therefore, it has been classified as a Variant of Uncertain Significance. Algorithms developed to predict the effect of missense changes on protein structure and function are either unavailable or do not agree on the potential impact of this missense change (SIFT: "Deleterious"; PolyPhen-2: "Probably Damaging"; Align-GVGD: "Class C0"). This variant has not been reported in the literature in individuals with DICER1-related conditions. This variant is not present in population databases (ExAC no frequency). This sequence change replaces leucine with phenylalanine at codon 1583 of the DICER1 protein (p.Leu1583Phe). The leucine residue is highly conserved and there is a small physicochemical difference between leucine and phenylalanine.

NM_177438.3(DICER1):c.4747C>T (p.Leu1583Phe)

Gene: DICER1 (dicer 1, ribonuclease III; minus strand). Cytogenetic location: 14q32.13.
Variant type: single nucleotide variant.
Coding change: c.4747C>T on transcript NM_177438.3 (MANE Select); coding-DNA position 4747, C replaced by T.
Protein change: p.Leu1583Phe; replaces leucine 1583 with phenylalanine.
Molecular consequence: missense variant.
Genome position (GRCh38, 1-based): chr14:95,096,173, G>A on the plus strand (C>T on the coding strand, the complement: DICER1 is on the minus strand). VCF-style: chr14-95096173-G-A. GRCh37 (hg19) VCF-style: chr14-95562510-G-A.
Other names: c.4747C>T, p.Leu1583Phe (NM_001195573.1, NM_001271282.3, NM_001291628.2 and 1 more transcripts); short protein forms L1583F.
Identifiers: ClinVar variation 659266 (VCV000659266.12), dbSNP rs1595339800, ClinGen allele CA390867335.